The following is an entry in ClinVar:

ClinVar aggregate classification (germline): Uncertain significance (1 of 4 stars; one submission).

Allele frequency attached by ClinVar (database versions not stated): ExAC 0.00002; gnomAD 0.00003; gnomAD exomes 0.00006; ESP Exome Variant Server 0.00008; 1000 Genomes Project 30x 0.00016; 1000 Genomes Project 0.00020.
gnomAD v4.1: 88 of 1,613,686 alleles (0.0055%); highest among the groups gnomAD compares: Non-Finnish European, 0.0075%; no homozygotes.

Submission:

Labcorp Genetics (formerly Invitae), Labcorp
Classification: Uncertain significance. Last evaluated: 2023-08-20. Review status: criteria provided, single submitter. Criteria: Invitae Variant Classification Sherloc (09022015). Collection method: clinical testing. Allele origin: germline.
Comment: This sequence change replaces glycine, which is neutral and non-polar, with alanine, which is neutral and non-polar, at codon 966 of the CTR9 protein (p.Gly966Ala). This variant is present in population databases (rs192522878, gnomAD 0.007%). This missense change has been observed in individual(s) with Wilms tumor (PMID: 25099282). An algorithm developed to predict the effect of missense changes on protein structure and function (PolyPhen-2) suggests that this variant is likely to be disruptive. In summary, the available evidence is currently insufficient to determine the role of this variant in disease. Therefore, it has been classified as a Variant of Uncertain Significance.

Literature cited by the submitters: PubMed 25099282.

NM_014633.5(CTR9):c.2897G>C (p.Gly966Ala)

Gene: CTR9 (CTR9 component of Paf1/RNA polymerase II complex; plus strand). Cytogenetic location: 11p15.4.
Variant type: single nucleotide variant.
Coding change: c.2897G>C on transcript NM_014633.5 (MANE Select); coding-DNA position 2897, G replaced by C.
Protein change: p.Gly966Ala; replaces glycine 966 with alanine.
Molecular consequence: missense variant.
Genome position (GRCh38, 1-based): chr11:10,775,218, G>C. VCF-style: chr11-10775218-G-C. GRCh37 (hg19) VCF-style: chr11-10796765-G-C.
Other names: c.2825G>C, p.Gly942Ala (NM_001346279.2); short protein forms G966A, G942A.
Identifiers: ClinVar variation 2884613 (VCV002884613.3), dbSNP rs192522878, ClinGen allele CA5885458.
Genomic context (GRCh38, chr11:10,775,218, plus strand): 5'-TTTATAGGTAGGCTCTTGACAAACTCTCTCTTGGTGTTCACTATTTAAGACATCCAAAGG[G>C]AGAAGAAGGATCTGATGATGATGAAACAGAAAATGGCCCCAAACCAAAAAAACGACGTCC-3'
Protein context (NP_055448.1, residues 956-976): KKKKRRRHPK[Gly966Ala]EEGSDDDETE